The following is an entry in ClinVar:

NM_001365902.3(NFIX):c.487G>T (p.Val163Phe)

Gene: NFIX (nuclear factor I X; plus strand). Cytogenetic location: 19p13.13.
Variant type: single nucleotide variant.
Coding change: c.487G>T on transcript NM_001365902.3 (MANE Select); coding-DNA position 487, G replaced by T.
Protein change: p.Val163Phe; replaces valine 163 with phenylalanine.
Molecular consequence: missense variant.
Genome position (GRCh38, 1-based): chr19:13,025,480, G>T. VCF-style: chr19-13025480-G-T. GRCh37 (hg19) VCF-style: chr19-13136294-G-T.
Other names: c.511G>T, p.Val171Phe (NM_001271043.2); c.463G>T, p.Val155Phe (NM_001271044.3, NM_001378404.1); c.487G>T, p.Val163Phe (NM_001365982.2, NM_002501.4); c.346G>T, p.Val116Phe (NM_001365983.2); c.484G>T, p.Val162Phe (NM_001365984.2, NM_001365985.2); c.535G>T, p.Val179Phe (NM_001378405.1); short protein forms V116F, V155F, V162F, V163F, V171F, V179F.
Identifiers: ClinVar variation 1302312 (VCV001302312.2), dbSNP rs2145193544, ClinGen allele CA404315645.

ClinVar aggregate classification (germline): Uncertain significance (1 of 4 stars; one submission).

Submission:

GeneDx
Classification: Uncertain significance. Last evaluated: 2019-06-03. Review status: criteria provided, single submitter. Criteria: GeneDx Variant Classification Process June 2021. Collection method: clinical testing. Allele origin: germline. Affected: yes.
Comment: Not observed in large population cohorts (Lek et al., 2016); In silico analysis, which includes protein predictors and evolutionary conservation, supports a deleterious effect; Has not been previously published as pathogenic or benign to our knowledge